The following is an entry in ClinVar:

ClinVar aggregate classification (germline): Benign/Likely benign. Review status: criteria provided, multiple submitters, no conflicts (2 of 4 stars). 3 submissions from 3 submitters: Benign (2); Likely benign (1). Last evaluated 2025-08-20.

Conditions:
Gorlin syndrome. Also called: Nevoid Basal Cell Carcinoma Syndrome; Basal cell nevus syndrome. Identifiers: Orphanet 377, MedGen C0004779, MONDO:0007187.

Allele frequency attached by ClinVar (database versions not stated): TOPMed 0.00006; 1000 Genomes Project 30x 0.00016; 1000 Genomes Project 0.00020; gnomAD exomes 0.00035 and 0.00066; ExAC 0.00077.
gnomAD v4.1: 547 of 1,614,198 alleles (0.034%); highest among the groups gnomAD compares: South Asian, 0.5%; 4 homozygotes.

Submissions (3):

Labcorp Genetics (formerly Invitae), Labcorp
Classification: Benign for Gorlin syndrome. Last evaluated: 2025-08-20. Review status: criteria provided, single submitter. Criteria: Invitae Variant Classification Sherloc (09022015). Collection method: clinical testing. Allele origin: germline.

Blueprint Genetics
Classification: Likely benign. Last evaluated: 2024-09-09. Review status: criteria provided, single submitter. Criteria: ACMG Guidelines, 2015. Collection method: clinical testing. Allele origin: germline.

CeGaT Center for Human Genetics Tuebingen
Classification: Benign. Last evaluated: 2024-06-01. Review status: criteria provided, single submitter. Criteria: CeGaT Center For Human Genetics Tuebingen Variant Classification Criteria Version 2. Collection method: clinical testing. Allele origin: germline. Affected: yes. Observed: 1 variant allele.
Comment: PTCH2: BP4, BS1, BS2

NM_003738.5(PTCH2):c.1083+3C>T

Gene: PTCH2 (patched 2; minus strand). Cytogenetic location: 1p34.1.
Variant type: single nucleotide variant.
Coding change: c.1083+3C>T on transcript NM_003738.5 (MANE Select); 3 bases into the intron after coding-DNA position 1083, C replaced by T.
Molecular consequence: intron variant.
Genome position (GRCh38, 1-based): chr1:44,829,611, G>A on the plus strand (C>T on the coding strand, the complement: PTCH2 is on the minus strand). VCF-style: chr1-44829611-G-A. GRCh37 (hg19) VCF-style: chr1-45295283-G-A.
Other names: c.1083+3C>T (NM_001166292.2).
Identifiers: ClinVar variation 698931 (VCV000698931.29), dbSNP rs557532187, ClinGen allele CA823444.